The following is an entry in ClinVar:

NM_173660.5(DOK7):c.43G>A (p.Asp15Asn)

Gene: DOK7 (docking protein 7; plus strand). Cytogenetic location: 4p16.3.
Variant type: single nucleotide variant.
Coding change: c.43G>A on transcript NM_173660.5 (MANE Select); coding-DNA position 43, G replaced by A.
Protein change: p.Asp15Asn; replaces aspartic acid 15 with asparagine.
Molecular consequence: missense variant.
Genome position (GRCh38, 1-based): chr4:3,463,418, G>A. VCF-style: chr4-3463418-G-A. GRCh37 (hg19) VCF-style: chr4-3465145-G-A.
Other names: c.43G>A, p.Asp15Asn (NM_001164673.2, NM_001301071.2, NM_001363811.2); short protein forms D15N.
Identifiers: ClinVar variation 956398 (VCV000956398.7), dbSNP rs1726072530, ClinGen allele CA356112008.

ClinVar aggregate classification (germline): Uncertain significance (1 of 4 stars; one submission).

Conditions:
Congenital myasthenic syndrome 10. Also called: Myasthenia, limb-girdle, familial. Identifiers: Orphanet 590, MedGen C1850792, MONDO:0009690, OMIM 254300.
Fetal akinesia deformation sequence 1 (FADS1). Also called: Fetal akinesia sequence; Pena-Shokeir syndrome type I. Identifiers: Orphanet 994, MedGen C1276035, MONDO:0100101, OMIM 208150, HP:0001989.

Allele frequency attached by ClinVar (database versions not stated): TOPMed 0.00001.

Submission:

Labcorp Genetics (formerly Invitae), Labcorp
Classification: Uncertain significance for Congenital myasthenic syndrome 10; Fetal akinesia deformation sequence 1. Last evaluated: 2022-07-25. Review status: criteria provided, single submitter. Criteria: Invitae Variant Classification Sherloc (09022015). Collection method: clinical testing. Allele origin: germline.
Comment: This sequence change replaces aspartic acid, which is acidic and polar, with asparagine, which is neutral and polar, at codon 15 of the DOK7 protein (p.Asp15Asn). This variant is not present in population databases (gnomAD no frequency). This variant has not been reported in the literature in individuals affected with DOK7-related conditions. ClinVar contains an entry for this variant (Variation ID: 956398). Algorithms developed to predict the effect of missense changes on protein structure and function are either unavailable or do not agree on the potential impact of this missense change (SIFT: "Deleterious"; PolyPhen-2: "Benign"; Align-GVGD: "Class C0"). In summary, the available evidence is currently insufficient to determine the role of this variant in disease. Therefore, it has been classified as a Variant of Uncertain Significance.